The following is an entry in ClinVar:

NM_001134831.2(AHI1):c.2512G>A (p.Val838Ile)

Gene: AHI1 (Abelson helper integration site 1; minus strand). Cytogenetic location: 6q23.3.
Variant type: single nucleotide variant.
Coding change: c.2512G>A on transcript NM_001134831.2 (MANE Select); coding-DNA position 2512, G replaced by A.
Protein change: p.Val838Ile; replaces valine 838 with isoleucine.
Molecular consequence: missense variant.
Genome position (GRCh38, 1-based): chr6:135,428,740, C>T on the plus strand (G>A on the coding strand, the complement: AHI1 is on the minus strand). VCF-style: chr6-135428740-C-T. GRCh37 (hg19) VCF-style: chr6-135749878-C-T.
Other names: c.2512G>A, p.Val838Ile (NM_001134830.2, NM_001134832.2, NM_001350503.2 and 2 more transcripts); c.2512G>A (NM_017651.4); short protein forms V838I.
Identifiers: ClinVar variation 1983629 (VCV001983629.3), dbSNP rs771405595, ClinGen allele CA4012349.

ClinVar aggregate classification (germline): Uncertain significance. Review status: criteria provided, multiple submitters, no conflicts (2 of 4 stars). 3 submissions from 3 submitters: Uncertain significance (2). 1 of the submissions does not count toward it. Last evaluated 2025-04-17.

Conditions:
Inborn genetic diseases. Identifiers: MedGen C0950123, MeSH D030342.
Optic atrophy. Identifiers: MedGen C0029124, MONDO:0003608, HP:0000648.
Joubert syndrome. Also called: CEREBELLOPARENCHYMAL DISORDER IV; JOUBERT-BOLTSHAUSER SYNDROME; Familial aplasia of the vermis. Identifiers: Orphanet 475, MedGen C5979921, MONDO:0018772.

Allele frequency attached by ClinVar (database versions not stated): ExAC 0.00001; gnomAD 0.00001; gnomAD exomes 0.00001; TOPMed 0.00001.
gnomAD v4.1: 11 of 1,604,010 alleles (0.00069%); highest among the groups gnomAD compares: Non-Finnish European, 0.00085%; no homozygotes.

Submissions (3):

Ambry Genetics
Classification: Uncertain significance for Inborn genetic diseases. Last evaluated: 2025-04-17. Review status: criteria provided, single submitter. Criteria: Ambry Variant Classification Scheme 2023. Collection method: clinical testing. Allele origin: germline.

Labcorp Genetics (formerly Invitae), Labcorp
Classification: Uncertain significance for Joubert syndrome. Last evaluated: 2022-07-25. Review status: criteria provided, single submitter. Criteria: Invitae Variant Classification Sherloc (09022015). Collection method: clinical testing. Allele origin: germline.
Comment: This sequence change replaces valine, which is neutral and non-polar, with isoleucine, which is neutral and non-polar, at codon 838 of the AHI1 protein (p.Val838Ile). The frequency data for this variant in the population databases is considered unreliable, as metrics indicate poor data quality at this position in the gnomAD database. This variant has not been reported in the literature in individuals affected with AHI1-related conditions. Advanced modeling of protein sequence and biophysical properties (such as structural, functional, and spatial information, amino acid conservation, physicochemical variation, residue mobility, and thermodynamic stability) performed at Invitae indicates that this missense variant is not expected to disrupt AHI1 protein function. In summary, the available evidence is currently insufficient to determine the role of this variant in disease. Therefore, it has been classified as a Variant of Uncertain Significance.

Institute of Human Genetics, Univ. Regensburg, Univ. Regensburg
Classification: Uncertain significance for Optic atrophy. Last evaluated: 2022-01-01. Review status: no assertion criteria provided. Criteria: ACMG Guidelines, 2015. Collection method: clinical testing. Allele origin: germline. Affected: yes. Not counted in ClinVar's aggregate classification.